The following is an entry in ClinVar:

NM_001197104.2(KMT2A):c.2318dup (p.Ser774fs)

Gene: KMT2A (lysine methyltransferase 2A; plus strand). Cytogenetic location: 11q23.3.
Variant type: Duplication.
Coding change: c.2318dup on transcript NM_001197104.2 (MANE Select); coding-DNA position 2318, one base duplicated (C; older notation c.2318dupC).
Protein change: p.Ser774fs; shifts the reading frame from serine 774.
Molecular consequence: frameshift variant.
Genome position (GRCh38, 1-based): chr11:118,473,477, C duplicated; the last of 7 consecutive C bases (chr11:118,473,471-118,473,477); duplicating any one gives the same sequence. VCF-style (leftmost placement, unchanged base first): chr11-118473470-A-AC. GRCh37 (hg19) VCF-style: chr11-118344185-A-AC.
Other names: c.2318dupC (NM_001197104.1); c.2318dup, p.Ser774fs (NM_005933.4); short protein forms S774fs.
Identifiers: ClinVar variation 374257 (VCV000374257.34), dbSNP rs782297546, ClinGen allele CA6303494.
Genomic context (GRCh38, chr11:118,473,470, plus strand): 5'-CCTTCTCACTCCATGAGGACAAGAAGTGGAAGGCTTAGTAGTTCTGAGCTCTCACCTCTC[A>AC]CCCCCCCGTCTTCTGTCTCTTCCTCGTTAAGCATTTCTGTTAGTCCTCTTGCCACTAGTG-3'

ClinVar aggregate classification (germline): Pathogenic. Review status: criteria provided, multiple submitters, no conflicts (2 of 4 stars). 14 submissions from 14 submitters: Pathogenic (13). 1 of the submissions does not count toward it. Last evaluated 2026-06-16.
ClinVar aggregate classification (oncogenicity): Likely oncogenic (0 of 4 stars; one submission).

Conditions:
Inborn genetic diseases. Identifiers: MedGen C0950123, MeSH D030342.
Wiedemann-Steiner syndrome (WDSTS). Also called: Growth deficiency and mental retardation with facial dysmorphism. Identifiers: Orphanet 319182, MedGen C1854630, MONDO:0011518, OMIM 605130.
KMT2A-related disorder. Also called: KMT2A-related condition.
Adrenal cortex carcinoma. Also called: Adrenocortical carcinoma. Identifiers: Orphanet 1501, MedGen C0206686, MeSH D018268, MONDO:0006639, HP:0006744.

Submissions (15):

PreventionGenetics, part of Exact Sciences
Classification: Pathogenic for KMT2A-related condition. Last evaluated: 2026-06-16. Review status: criteria provided, single submitter. Criteria: ACMG Guidelines, 2015. Collection method: clinical testing. Allele origin: germline.
Comment: The KMT2A c.2318dupC variant is predicted to result in a frameshift and premature protein termination (p.Ser774Valfs*12). This variant was reported as de novo in individuals with Wiedemann-Steiner syndrome (Farwell et al. 2015. PubMed ID: 25356970; Posey et al. 2016. PubMed ID: 27959697; Baer et al. 2018. PubMed ID: 29574747; Li et al. 2018. PubMed ID: 30305169; Sheppard et al. 2021. PubMed ID: 33783954; Rossi et al. 2017. PubMed ID: 28330790). This variant is reported in 0.00088% of alleles in individuals of European (Non-Finnish) descent in gnomAD. Frameshift variants in KMT2A are expected to be pathogenic. This variant is interpreted as pathogenic.

Ambry Genetics
Classification: Pathogenic for Inborn genetic diseases. Last evaluated: 2026-01-12. Review status: criteria provided, single submitter. Criteria: Ambry Variant Classification Scheme 2023. Collection method: clinical testing. Allele origin: germline.
Comment: The c.2318dupC (p.S774Vfs*12) alteration, located in coding exon 3 of the KMT2A gene, consists of a duplication of C at position 2318, causing a translational frameshift with a predicted alternate stop codon after 12 amino acids. This alteration is expected to result in loss of function by premature protein truncation or nonsense-mediated mRNA decay. The Genome Aggregation Database (gnomAD) data for this variant is unreliable due to technical and/or biological issues; therefore, population frequency estimates were not considered. This variant was reported in individual(s) with features consistent with Wiedemann-Steiner syndrome; in at least one individual, it was determined to be de novo (Baer, 2018; Shangguan, 2024; Ambry internal data). Based on the available evidence, this alteration is classified as pathogenic.

3billion
Classification: Pathogenic for Wiedemann-Steiner syndrome. Last evaluated: 2025-03-05. Review status: criteria provided, single submitter. Criteria: ACMG Guidelines, 2015. Collection method: clinical testing. Allele origin: germline. Affected: yes.
Comment: The variant is observed at an extremely low frequency in the gnomAD v4.1.0 dataset (total allele frequency: <0.001%). Predicted Consequence/Location: Frameshift: predicted to result in a loss or disruption of normal protein function through nonsense-mediated decay (NMD) or protein truncation. Multiple pathogenic variants are reported downstream of the variant. The variant has been reported at least twice as pathogenic with clinical assertions and evidence for the classification (ClinVar ID: VCV000374257 /PMID: 25356970 /3billion dataset). Therefore, this variant is classified as Pathogenic according to the recommendation of ACMG/AMP guideline.

Equipe Genetique des Anomalies du Developpement, Université de Bourgogne
Classification: Pathogenic for Wiedemann-Steiner syndrome. Last evaluated: 2023-08-23. Review status: criteria provided, single submitter. Criteria: ACMG Guidelines, 2015. Collection method: clinical testing. Allele origin: de novo. Inheritance: Autosomal dominant inheritance. Affected: yes.

Labcorp Genetics (formerly Invitae), Labcorp
Classification: Pathogenic. Last evaluated: 2023-08-16. Review status: criteria provided, single submitter. Criteria: Invitae Variant Classification Sherloc (09022015). Collection method: clinical testing. Allele origin: germline.
Comment: For these reasons, this variant has been classified as Pathogenic. ClinVar contains an entry for this variant (Variation ID: 374257). This premature translational stop signal has been observed in individual(s) with features of autism spectrum disorder and in two individuals undergoing diagnostic exome sequencing (PMID: 25356970, 28330790). This variant is not present in population databases (gnomAD no frequency). This sequence change creates a premature translational stop signal (p.Ser774Valfs*12) in the KMT2A gene. It is expected to result in an absent or disrupted protein product. Loss-of-function variants in KMT2A are known to be pathogenic (PMID: 22795537, 25810209, 29574747).

Laboratorio de Genetica e Diagnostico Molecular, Hospital Israelita Albert Einstein
Classification: Pathogenic for Wiedemann-Steiner syndrome. Last evaluated: 2022-09-09. Review status: criteria provided, single submitter. Criteria: ACMG Guidelines, 2015. Collection method: clinical testing. Allele origin: germline. Affected: yes. Observed: 1 variant allele.
Comment: ACMG classification criteria: PVS1 very strong, PS4 strong, PM2 supporting, PM6 strong

Blueprint Genetics
Classification: Pathogenic for KMT2A-related disorders. Last evaluated: 2022-05-26. Review status: criteria provided, single submitter. Criteria: ACMG Guidelines, 2015. Collection method: clinical testing. Allele origin: de novo. Affected: yes. Observed: 4 variant alleles.

GeneDx
Classification: Pathogenic. Last evaluated: 2022-03-15. Review status: criteria provided, single submitter. Criteria: GeneDx Variant Classification Process June 2021. Collection method: clinical testing. Allele origin: germline. Affected: yes.
Comment: Frameshift variant predicted to result in nonsense mediated decay in a gene for which loss-of-function is a known mechanism of disease; This variant is associated with the following publications: (PMID: 25356970, 27959697, 29574747, 34102828, 33043602, 28330790, 33783954, 33004838, 30305169)

Dasa
Classification: Pathogenic for Wiedemann-Steiner syndrome. Last evaluated: 2022-01-05. Review status: criteria provided, single submitter. Criteria: ACMG Guidelines, 2015. Collection method: clinical testing. Allele origin: germline. Affected: yes. Observed: 1 variant allele.
Comment: The c.2318dup;p.(Ser774Valfs*12) is a null frameshift variant (NMD) in the KMT2A gene and predicts alteration of the nonsense-mediate decay - NMD is present in a relevantexon to the transcript -PVS1. This sequence change has been observed in affected individual(s) and ClinVar contains an entry for this variant (ClinVar ID: 374257; PMID: 29574747; 28600779) - PS4. This variant is not present in population databases (rs782297546, gnomAD; ABraOM no frequency) - PM2. In summary, the currently available evidence indicates that the variant is pathogenic.

Revvity Omics, Revvity
Classification: Pathogenic for Wiedemann-Steiner syndrome. Last evaluated: 2020-08-10. Review status: criteria provided, single submitter. Criteria: ACMG Guidelines, 2015. Collection method: clinical testing. Allele origin: germline.

Mendelics
Classification: Pathogenic for Wiedemann-Steiner syndrome. Last evaluated: 2019-05-28. Review status: criteria provided, single submitter. Criteria: Mendelics Assertion Criteria 2017. Collection method: clinical testing. Allele origin: unknown.

Genetic Services Laboratory, University of Chicago
Classification: Pathogenic. Last evaluated: 2018-07-03. Review status: criteria provided, single submitter. Criteria: ACMG Guidelines, 2015. Collection method: clinical testing. Allele origin: germline. Affected: yes.
Comment: DNA sequence analysis of the KMT2A gene demonstrated a one base pair duplication in exon 3, c.2318dup. This pathogenic sequence change results in an amino acid frameshift and creates a premature stop codon 11 amino acids downstream of the variant, p.Ser774Valfs*12. This pathogenic sequence change is predicted to result in an abnormal transcript, which may be degraded, or may lead to the production of a truncated KMT2A protein with potentially abnormal function. This pathogenic sequence change has previously been described as a de novo variant in a patient with Wiedemann-Steiner syndrome (Farwell et. al., 2014). This pathogenic sequence change is the most likely cause of this phenotype.

Juno Genomics, Hangzhou Juno Genomics, Inc
Classification: Pathogenic for Wiedemann-Steiner syndrome. Review status: criteria provided, single submitter. Criteria: ACMG Guidelines, 2015. Collection method: clinical testing. Allele origin: germline. Affected: yes.
Comment: Absent from controls (or at extremely low frequency if recessive) in Genome Aggregation Database, Exome Sequencing Project, 1000 Genomes Project, or Exome Aggregation Consortium.;Null variant in a gene where loss of function (LOF) is a known mechanism of disease.;The prevalence of the variant in affected individuals is significantly increased compared to the prevalence in controls.;De novo (both maternity and paternity confirmed) in a patient with the disease and no family history.

Genome Sciences Centre, British Columbia Cancer Agency
Classification: Likely oncogenic for Adrenal cortex carcinoma. Last evaluated: 2024-11-13. Review status: no assertion criteria provided. Collection method: research. Allele origin: somatic. Affected: yes. Observed: 1 variant allele.

Baylor Genetics
Classification: Pathogenic for Wiedemann-Steiner syndrome. Last evaluated: 2015-03-26. Review status: no assertion criteria provided. Collection method: clinical testing. Allele origin: de novo. Inheritance: Autosomal dominant inheritance. Affected: yes. Observed: 1 variant allele, 1 heterozygote. Not counted in ClinVar's aggregate classification.

Literature cited by the submitters: PubMed 25356970 (cited by 3 submitters); PubMed 27959697 (cited by Ambry Genetics); PubMed 28330790 (cited by Ambry Genetics and Labcorp Genetics (formerly Invitae), Labcorp); PubMed 28600779 (cited by Ambry Genetics and Dasa); PubMed 29574747 (cited by 3 submitters); PubMed 38170291 (cited by Ambry Genetics); PubMed 22795537 (cited by Labcorp Genetics (formerly Invitae), Labcorp); PubMed 25810209 (cited by Labcorp Genetics (formerly Invitae), Labcorp).